The following is an entry in ClinVar:

ClinVar aggregate classification (germline): Uncertain significance. Review status: criteria provided, multiple submitters, no conflicts (2 of 4 stars). 2 submissions from 2 submitters: Uncertain significance (2). Last evaluated 2023-08-17.

Conditions:
Hereditary cancer-predisposing syndrome. Also called: Hereditary neoplastic syndrome; Neoplastic Syndromes, Hereditary; Tumor predisposition; Hereditary Cancer Syndrome. Identifiers: Orphanet 140162, MedGen C0027672, MeSH D009386, MONDO:0015356.
Familial cancer of breast. Also called: Hereditary breast cancer; hereditary breast carcinoma; BREAST CANCER, FAMILIAL. Identifiers: Orphanet 227535, MedGen C0346153, MONDO:0016419, OMIM 114480. Disease mechanism: loss of function.

Submissions (2):

Baylor Genetics
Classification: Uncertain significance for Familial cancer of breast. Last evaluated: 2023-08-17. Review status: criteria provided, single submitter. Criteria: ACMG Guidelines, 2015. Collection method: clinical testing. Allele origin: unknown.

Ambry Genetics
Classification: Uncertain significance for Hereditary cancer-predisposing syndrome. Last evaluated: 2022-03-08. Review status: criteria provided, single submitter. Criteria: Ambry Variant Classification Scheme 2023. Collection method: clinical testing. Allele origin: germline.
Comment: The p.S2581R variant (also known as c.7743C>G), located in coding exon 51 of the ATM gene, results from a C to G substitution at nucleotide position 7743. The serine at codon 2581 is replaced by arginine, an amino acid with dissimilar properties. This amino acid position is conserved. In addition, this alteration is predicted to be tolerated by in silico analysis. Since supporting evidence is limited at this time, the clinical significance of this alteration remains unclear.

NM_000051.4(ATM):c.7743C>G (p.Ser2581Arg)

Genes: ATM (ATM serine/threonine kinase; plus strand), C11orf65 (chromosome 11 open reading frame 65; minus strand). Cytogenetic location: 11q22.3.
Variant type: single nucleotide variant.
Coding change: c.7743C>G on transcript NM_000051.4 (MANE Select); coding-DNA position 7743, C replaced by G.
Protein change: p.Ser2581Arg; replaces serine 2581 with arginine.
Molecular consequence: missense variant. On other transcripts: intron variant (2).
Genome position (GRCh38, 1-based): chr11:108,331,992, C>G. VCF-style: chr11-108331992-C-G. GRCh37 (hg19) VCF-style: chr11-108202719-C-G.
Other names: c.7743C>G, p.Ser2581Arg (NM_001351834.2); c.641-22921G>C (NM_001330368.2); c.*38+3228G>C (NM_001351110.2); short protein forms S2581R.
Identifiers: ClinVar variation 1760407 (VCV001760407.3), dbSNP rs2086306575, ClinGen allele CA382561129.